The following is an entry in ClinVar:

ClinVar aggregate classification (germline): Pathogenic. Review status: criteria provided, multiple submitters, no conflicts (2 of 4 stars). 3 submissions from 3 submitters: Pathogenic (3). Last evaluated 2025-07-13.

Conditions:
Long QT syndrome (LQTS). Identifiers: MedGen C0023976, MeSH D008133, MONDO:0002442. Disease mechanism: loss of function. Inheritance: Various modes of inheritance.
Cardiovascular phenotype. Identifiers: MedGen CN230736.

Submissions (3):

Labcorp Genetics (formerly Invitae), Labcorp
Classification: Pathogenic for Long QT syndrome. Last evaluated: 2025-07-13. Review status: criteria provided, single submitter. Criteria: Invitae Variant Classification Sherloc (09022015). Collection method: clinical testing. Allele origin: germline.
Comment: This sequence change creates a premature translational stop signal (p.Val129Profs*109) in the KCNQ1 gene. It is expected to result in an absent or disrupted protein product. Loss-of-function variants in KCNQ1 are known to be pathogenic (PMID: 9323054, 19862833). This variant is not present in population databases (gnomAD no frequency). This variant has not been reported in the literature in individuals affected with KCNQ1-related conditions. ClinVar contains an entry for this variant (Variation ID: 419579). For these reasons, this variant has been classified as Pathogenic.

Ambry Genetics
Classification: Pathogenic for Cardiovascular phenotype. Last evaluated: 2025-04-19. Review status: criteria provided, single submitter. Criteria: Ambry Variant Classification Scheme 2023. Collection method: clinical testing. Allele origin: germline.
Comment: The c.382_383dupGC pathogenic mutation, located in coding exon 1 of the KCNQ1 gene, results from a duplication of GC at nucleotide position 382, causing a translational frameshift with a predicted alternate stop codon (p.V129Pfs*109). This variant is considered to be rare based on population cohorts in the Genome Aggregation Database (gnomAD). This alteration is expected to result in loss of function by premature protein truncation or nonsense-mediated mRNA decay. As such, this alteration is interpreted as a disease-causing mutation.

GeneDx
Classification: Pathogenic. Last evaluated: 2024-08-29. Review status: criteria provided, single submitter. Criteria: GeneDx Variant Classification Process June 2021. Collection method: clinical testing. Allele origin: germline. Affected: yes.
Comment: Has not been previously published as pathogenic or benign to our knowledge; Not observed at significant frequency in large population cohorts (gnomAD); Frameshift variant predicted to result in protein truncation or nonsense mediated decay in a gene for which loss of function is a known mechanism of disease

Literature cited by the submitters: PubMed 9323054 (cited by Labcorp Genetics (formerly Invitae), Labcorp); PubMed 19862833 (cited by Labcorp Genetics (formerly Invitae), Labcorp).

NM_000218.3(KCNQ1):c.382_383dup (p.Val129fs)

Gene: KCNQ1 (potassium voltage-gated channel subfamily Q member 1; plus strand). Cytogenetic location: 11p15.5.
Variant type: Duplication.
Coding change: c.382_383dup on transcript NM_000218.3 (MANE Select); coding-DNA positions 382 to 383, 2 bases duplicated (GC; older notation c.382_383dupGC).
Protein change: p.Val129fs; shifts the reading frame from valine 129.
Molecular consequence: frameshift variant.
Genome position (GRCh38, 1-based): chr11:2,445,480-2,445,481, GC duplicated; duplicating any 2 consecutive bases within chr11:2,445,479-2,445,481 gives the same sequence; the c. name uses the placement nearest the transcript's 3' end. VCF-style (leftmost placement, unchanged base first): chr11-2445478-T-TCG. GRCh37 (hg19) VCF-style: chr11-2466708-T-TCG.
Other names: c.382_383dupGC (NM_000218.2); short protein forms V129fs.
Identifiers: ClinVar variation 419579 (VCV000419579.15), dbSNP rs1554958132, ClinGen allele CA16619305.